The following is an entry in ClinVar:

ClinVar aggregate classification (germline): Conflicting classifications of pathogenicity. Review status: criteria provided, conflicting classifications (1 of 4 stars). 9 submissions from 8 submitters: Pathogenic (2); Likely pathogenic (5); Uncertain significance (1). 1 of the submissions does not count toward it. Last evaluated 2026-01-18.

Conditions:
Carcinoma of colon (CRC). Also called: Colon carcinoma; Colonic carcinoma. Identifiers: MedGen C0699790, MONDO:0002032.
Familial adenomatous polyposis 2. Also called: MUTYH-related attenuated familial adenomatous polyposis; MYH-associated polyposis; COLORECTAL ADENOMATOUS POLYPOSIS, AUTOSOMAL RECESSIVE; ADENOMAS, MULTIPLE COLORECTAL, AUTOSOMAL RECESSIVE; Adenomas, multiple colorectal; FAP type 2. Identifiers: Orphanet 220460, Orphanet 247798, MedGen C3272841, MONDO:0012041, OMIM 608456.
Hereditary cancer-predisposing syndrome. Also called: Tumor predisposition; Neoplastic Syndromes, Hereditary; Hereditary Cancer Syndrome; Hereditary neoplastic syndrome. Identifiers: Orphanet 140162, MedGen C0027672, MeSH D009386, MONDO:0015356.

Allele frequency attached by ClinVar (database versions not stated): TOPMed below 0.00001; gnomAD exomes 0.00001.
gnomAD v4.1: 8 of 1,614,092 alleles (0.0005%); highest among the groups gnomAD compares: East Asian, 0.0022%; no homozygotes.

Submissions (9):

Labcorp Genetics (formerly Invitae), Labcorp
Classification: Likely pathogenic for Familial adenomatous polyposis 2. Last evaluated: 2026-01-18. Review status: criteria provided, single submitter. Criteria: Invitae Variant Classification Sherloc (09022015). Collection method: clinical testing. Allele origin: germline.
Comment: This sequence change replaces asparagine, which is neutral and polar, with serine, which is neutral and polar, at codon 238 of the MUTYH protein (p.Asn238Ser). This variant is not present in population databases (gnomAD no frequency). This missense change has been observed in individual(s) with colorectal cancer and/or multiple colorectal adenomas (PMID: 18515411, 19732775; external communication). In at least one individual the data is consistent with being in trans (on the opposite chromosome) from a pathogenic variant. This variant is also known as c.704A>G (N235S). ClinVar contains an entry for this variant (Variation ID: 372416). An algorithm developed to predict the effect of missense changes on protein structure and function (PolyPhen-2) suggests that this variant is likely to be disruptive. Experimental studies have shown that this missense change affects MUTYH function (PMID: 26694661). This variant disrupts the p.Asn210 amino acid residue in MUTYH. Other variant(s) that disrupt this residue have been observed in individuals with MUTYH-related conditions (external communication, internal data), which suggests that this may be a clinically significant amino acid residue. In summary, the currently available evidence indicates that the variant is pathogenic, but additional data are needed to prove that conclusively. Therefore, this variant has been classified as Likely Pathogenic.

Ambry Genetics
Classification: Likely pathogenic for Hereditary cancer-predisposing syndrome. Last evaluated: 2024-11-06. Review status: criteria provided, single submitter. Criteria: Ambry Variant Classification Scheme 2023. Collection method: clinical testing. Allele origin: germline.
Comment: The p.N238S variant (also known as c.713A>G), located in coding exon 9 of the MUTYH gene, results from an A to G substitution at nucleotide position 713. The asparagine at codon 238 is replaced by serine, an amino acid with highly similar properties. This alteration has been reported in a compound heterozygous state in individuals with polyps as well as colorectal cancer and in an individual with adenomatous polyposis (Vogt S et al. Gastroenterology 2009 Dec;137(6):1976-85.e1-10; Dallosso AR et al. Gut 2008 Sep;57(9):1252-5; Ambry internal data). It was also reported in a patient with features of MUTYH associated polyposis, but no co-occurring MUTYH variant was reported (Nielsen M et al. Gastroenterology, 2009 Feb;136:471-6). In addition, a functional assay demonstrated severely reduced (~2%) DNA glycosylase activity in a DNA cleavage activity assay using an A:8OHG substrate (Shinmura K et al. Hum. Mutat. 2016 Apr;37(4):350-3). Based on an internal structural analysis, this variant is more destabilizing to the MUTYH active site than other nearby pathogenic variants (Ambry internal data; Luncsford PJ et al. J Mol Biol, 2010 Oct;403:351-70; Woods RD et al. Nucleic Acids Res, 2016 Jan;44:801-10; Russelburg LP et al. ACS Chem Biol, 2020 01;15:93-102). This amino acid position is highly conserved in available vertebrate species. In addition, the in silico prediction for this alteration is inconclusive. This variant was not reported in population-based cohorts in the Genome Aggregation Database (gnomAD). Based on the majority of available evidence to date, this variant is likely to be pathogenic.

Blueprint Genetics
Classification: Uncertain significance. Last evaluated: 2024-03-15. Review status: criteria provided, single submitter. Criteria: ACMG Guidelines, 2015. Collection method: clinical testing. Allele origin: germline.

Color Diagnostics, LLC DBA Color Health
Classification: Likely pathogenic for Hereditary cancer-predisposing syndrome. Last evaluated: 2023-01-03. Review status: criteria provided, single submitter. Criteria: ACMG Guidelines, 2015. Collection method: clinical testing. Allele origin: germline.
Comment: This missense variant replaces asparagine with serine at codon 238 of the MUTYH protein. Computational prediction suggests that this variant may have deleterious impact on protein structure and function (internally defined REVEL score threshold >= 0.7, PMID: 27666373). A functional study has shown that this variant causes severe defect in the DNA glycosylase activity of MUTYH protein and ability to suppress mutations caused by 8-hydroxyguanine (PMID: 26694661). This variant has been reported in two individuals affected with polyposis and colorectal cancer in compound heterozygous state with a known pathogenic variant (PMID: 18515411, 19732775) and in one individual with pancreatic cancer (PMID: 34659905). This variant has not been identified in the general population by the Genome Aggregation Database (gnomAD). Based on the available evidence, this variant is classified as Likely Pathogenic.

Baylor Genetics
Classification: Pathogenic for Familial adenomatous polyposis 2. Last evaluated: 2021-12-31. Review status: criteria provided, single submitter. Criteria: ACMG Guidelines, 2015. Collection method: clinical testing. Allele origin: unknown.

Women's Health and Genetics/Laboratory Corporation of America, LabCorp
Classification: Likely pathogenic for MUTYH-associated polyposis. Last evaluated: 2019-10-28. Review status: criteria provided, single submitter. Criteria: LabCorp Variant Classification Summary - May 2015. Collection method: clinical testing. Allele origin: germline.
Comment: Variant summary: MUTYH c.713A>G (p.Asn238Ser) results in a conservative amino acid change located in the HhH-GPD domain (IPR003265) of the encoded protein sequence. This variant is also reported in the literature as c.671A>G (p.Asn224Ser) and c.704A>G (p.Asn235Ser) using alternate transcripts. Four of five in-silico tools predict a damaging effect of the variant on protein function. The variant was absent in 250588 control chromosomes (gnomAD). c.713A>G has been reported in the literature in individuals affected with MUTYH-associated Polyposis (Dallosso_2008, Jones_2009, Out_2010). These data indicate that the variant is likely to be associated with disease. At least one publication reports experimental evidence evaluating an impact on protein function. The most pronounced variant effect results in <10% of normal DNA glycosylase activity (Shinmura_2016). One clinical diagnostic laboratory has submitted clinical-significance assessments for this variant to ClinVar (evaluation after 2014) and cited the variant as pathogenic. Based on the evidence outlined above, the variant was classified as likely pathogenic.

Department of Pathology and Laboratory Medicine, Sinai Health System
Classification: Likely pathogenic for Familial adenomatous polyposis 2. Last evaluated: 2019-04-01. Review status: criteria provided, single submitter. Criteria: ACMG Guidelines, 2015. Collection method: research. Allele origin: germline.

GeneDx
Classification: Pathogenic. Last evaluated: 2017-11-06. Review status: criteria provided, single submitter. Criteria: GeneDx Variant Classification (06012015). Collection method: clinical testing. Allele origin: germline. Affected: yes.
Comment: This variant is denoted MUTYH c.713A>G at the cDNA level, p.Asn238Ser (N238S) at the protein level, and results in the change of an Asparagine to a Serine (AAC>AGC). This variant, also published as Asn210Ser and Asn235Ser using alternate transcripts, has been observed at least once in the compound heterozygous state with a MUTYH founder pathogenic variant in an individual with early-onset colorectal cancer and multiple polyps (Dallosso 2008, Jones 2009). Shinmura et al. (2016) found this variant to cause severely defective DNA glycosylase activity and inability to suppress mutations induced by 8-hydroxyguanine. MUTYH Asn238Ser was not observed in large population cohorts (Lek 2016). Since Asparagine and Serine share similar properties, this is considered a conservative amino acid substitution. MUTYH Asn238Ser occurs at a position that is conserved across species and is located in the FeS cluster region (Ruggieri 2013). In silico analyses predict that this variant is probably damaging to protein structure and function. Based on currently available information, we consider this variant to be pathogenic.

Department of Pathology and Laboratory Medicine, Sinai Health System
Classification: Likely pathogenic for Carcinoma of colon. Review status: no assertion criteria provided. Collection method: clinical testing. Allele origin: unknown. Affected: yes. Study: The Canadian Open Genetics Repository (COGR). Not counted in ClinVar's aggregate classification.
Comment: The p.Asn238Ser variant has been reported in the literature in 1/552 proband chromosomes in an individual with MAP and biallelic MUTYH mutations, although no control chromosomes were tested to establish its frequency in the general population (Vogt 2009). The patient from this study also harbored the MUTYH p.Gly396Asp variant, which has been previously reported as pathogenic (Kundu 2009). The p.Asn238 residue is conserved across mammals and computational analyses (PolyPhen, SIFT, AlignGVGD) suggest that the p.Asn238Ser variant may impact the protein. However, this information is not predictive enough to assume pathogenicity. MUTYH-associated polyposis (MAP) is inherited in an autosomal recessive manner and two pathogenic variants, one on each chromosome are expected to cause the disorder. The presence of this variant in combination with a reported pathogenic variant increases the likelihood that the p.Asn238Ser variant is pathogenic. In summary, based on the above information, the clinical significance of this variant cannot be determined with certainty at this time although we would lean towards a more pathogenic role for this variant. This variant is classified as predicted pathogenic.

Literature cited by the submitters: PubMed 18515411 (cited by 4 submitters); PubMed 19732775 (cited by 3 submitters); PubMed 26694661 (cited by 4 submitters); PubMed 19032956 (cited by Ambry Genetics and Women's Health and Genetics/Laboratory Corporation of America, LabCorp); PubMed 20816984 (cited by Ambry Genetics); PubMed 26673696 (cited by Ambry Genetics and Women's Health and Genetics/Laboratory Corporation of America, LabCorp); PubMed 31829624 (cited by Ambry Genetics); PubMed 34659905 (cited by Color Diagnostics, LLC DBA Color Health); PubMed 20725929 (cited by Women's Health and Genetics/Laboratory Corporation of America, LabCorp); PubMed 19394335 (cited by Women's Health and Genetics/Laboratory Corporation of America, LabCorp).

NM_001048174.2(MUTYH):c.629A>G (p.Asn210Ser)

Gene: MUTYH (mutY DNA glycosylase; minus strand). Cytogenetic location: 1p34.1.
Variant type: single nucleotide variant.
Coding change: c.629A>G on transcript NM_001048174.2 (MANE Select); coding-DNA position 629, A replaced by G.
Protein change: p.Asn210Ser; replaces asparagine 210 with serine.
Molecular consequence: missense variant. On other transcripts: non-coding transcript variant (2).
Genome position (GRCh38, 1-based): chr1:45,332,466, T>C on the plus strand (A>G on the coding strand, the complement: MUTYH is on the minus strand). VCF-style: chr1-45332466-T-C. GRCh37 (hg19) VCF-style: chr1-45798138-T-C.
Other names: c.629A>G, p.Asn210Ser (NM_001048171.2, NM_001048173.2, NM_001293195.2); c.632A>G, p.Asn211Ser (NM_001048172.2); c.713A>G, p.Asn238Ser (NM_001128425.2); c.674A>G, p.Asn225Ser (NM_001293190.2); c.662A>G, p.Asn221Ser (NM_001293191.2); c.353A>G, p.Asn118Ser (NM_001293192.2, NM_001293196.2); c.284A>G, p.Asn95Ser (NM_001350650.2, NM_001350651.2); c.704A>G, p.Asn235Ser (NM_012222.3); short protein forms N238S, N235S, N95S, N211S, N118S, N221S, N225S, N210S.
Identifiers: ClinVar variation 372416 (VCV000372416.27), dbSNP rs1057517765, ClinGen allele CA16042398.